The following is an entry in ClinVar:

NM_000397.4(CYBB):c.978del (p.Phe326fs)

Gene: CYBB (cytochrome b-245 beta chain; plus strand). Cytogenetic location: Xp11.4.
Variant type: Deletion.
Coding change: c.978del on transcript NM_000397.4 (MANE Select); coding-DNA position 978, one base deleted (T; older notation c.978delT).
Protein change: p.Phe326fs; shifts the reading frame from phenylalanine 326.
Molecular consequence: frameshift variant.
Genome position (GRCh38, 1-based): chrX:37,803,957, T deleted; the last of 5 consecutive T bases (chrX:37,803,953-37,803,957); deleting any one gives the same sequence. VCF-style (leftmost placement, unchanged base first): chrX-37803952-AT-A. GRCh37 (hg19) VCF-style: chrX-37663205-AT-A.
Other names: short protein forms F326fs.
Identifiers: ClinVar variation 1456857 (VCV001456857.1), dbSNP rs2146817094, ClinGen allele CA2573158640.

ClinVar aggregate classification (germline): Pathogenic (1 of 4 stars; one submission).

Conditions:
Granulomatous disease, chronic, X-linked. Also called: CYTOCHROME b-NEGATIVE GRANULOMATOUS DISEASE, CHRONIC, X-LINKED; GRANULOMATOUS DISEASE, CHRONIC, X-LINKED, SOMATIC MOSAIC. Identifiers: Orphanet 379, MedGen C1844376, MONDO:0010600, OMIM 306400.

Submission:

Labcorp Genetics (formerly Invitae), Labcorp
Classification: Pathogenic for Granulomatous disease, chronic, X-linked. Last evaluated: 2021-06-19. Review status: criteria provided, single submitter. Criteria: Invitae Variant Classification Sherloc (09022015). Collection method: clinical testing. Allele origin: germline.
Comment: This sequence change creates a premature translational stop signal (p.Phe326Leufs*17) in the CYBB gene. It is expected to result in an absent or disrupted protein product. Loss-of-function variants in CYBB are known to be pathogenic (PMID: 9585602, 20729109). This variant is not present in population databases (ExAC no frequency). This variant has not been reported in the literature in individuals with CYBB-related conditions. For these reasons, this variant has been classified as Pathogenic.

Literature cited by the submitters: PubMed 9585602; PubMed 20729109.